The following is an entry in ClinVar:

ClinVar aggregate classification (germline): Uncertain significance (1 of 4 stars; one submission).

Submission:

GeneDx
Classification: Uncertain significance. Last evaluated: 2025-06-09. Review status: criteria provided, single submitter. Criteria: GeneDx Variant Classification Process June 2021. Collection method: clinical testing. Allele origin: germline. Affected: yes.
Comment: Not observed at significant frequency in large population cohorts (gnomAD); In silico analysis supports that this missense variant has a deleterious effect on protein structure/function; Has not been previously published as pathogenic or benign to our knowledge; This substitution is predicted to be within the cytoplasmic loop between the second and third homologous domains.

NM_001165963.4(SCN1A):c.3377A>G (p.Asn1126Ser)

Genes: SCN1A (sodium voltage-gated channel alpha subunit 1; minus strand), LOC102724058 (uncharacterized LOC102724058; plus strand). Cytogenetic location: 2q24.3.
Variant type: single nucleotide variant.
Coding change: c.3377A>G on transcript NM_001165963.4 (MANE Select); coding-DNA position 3377, A replaced by G.
Protein change: p.Asn1126Ser; replaces asparagine 1126 with serine.
Molecular consequence: missense variant. On other transcripts: non-coding transcript variant (2).
Genome position (GRCh38, 1-based): chr2:166,036,100, T>C on the plus strand (A>G on the coding strand, the complement: SCN1A is on the minus strand). VCF-style: chr2-166036100-T-C. GRCh37 (hg19) VCF-style: chr2-166892610-T-C.
Other names: c.3293A>G, p.Asn1098Ser (NM_001165964.3, NM_001353957.2, NM_001353958.2); c.3377A>G, p.Asn1126Ser (NM_001202435.3, NM_001353948.2); c.3344A>G, p.Asn1115Ser (NM_001353949.2, NM_001353950.2, NM_001353951.2 and 2 more transcripts); c.3341A>G, p.Asn1114Ser (NM_001353954.2, NM_001353955.2); c.3290A>G, p.Asn1097Ser (NM_001353960.2); c.935A>G, p.Asn312Ser (NM_001353961.2); short protein forms N1097S, N1098S, N1114S, N1115S, N1126S, N312S.
Identifiers: ClinVar variation 4538045 (VCV004538045.1).